The following is an entry in ClinVar:

ClinVar aggregate classification (germline): Uncertain significance. Review status: criteria provided, multiple submitters, no conflicts (2 of 4 stars). 2 submissions from 2 submitters: Uncertain significance (2). Last evaluated 2025-03-07.

gnomAD v4.1: 135 of 1,551,214 alleles (0.0087%); highest among the groups gnomAD compares: Middle Eastern, 0.017%; no homozygotes.

Submissions (2):

Ambry Genetics
Classification: Uncertain significance. Last evaluated: 2025-03-07. Review status: criteria provided, single submitter. Criteria: Ambry Variant Classification Scheme 2023. Collection method: clinical testing. Allele origin: germline.

GeneDx
Classification: Uncertain significance. Last evaluated: 2023-10-02. Review status: criteria provided, single submitter. Criteria: GeneDx Variant Classification Process June 2021. Collection method: clinical testing. Allele origin: germline. Affected: yes.
Comment: In silico analysis supports that this missense variant has a deleterious effect on protein structure/function; In-silico analysis is inconclusive as to whether the variant alters gene splicing. In the absence of RNA/functional studies, the actual effect of this sequence change is unknown.; Has not been previously published as pathogenic or benign to our knowledge

NM_001367479.1(DNAH14):c.13829T>C (p.Leu4610Ser)

Gene: DNAH14 (dynein axonemal heavy chain 14; plus strand). Cytogenetic location: 1q42.12.
Variant type: single nucleotide variant.
Coding change: c.13829T>C on transcript NM_001367479.1 (MANE Select); coding-DNA position 13829, T replaced by C.
Protein change: p.Leu4610Ser; replaces leucine 4610 with serine.
Molecular consequence: missense variant.
Genome position (GRCh38, 1-based): chr1:225,399,244, T>C. VCF-style: chr1-225399244-T-C. GRCh37 (hg19) VCF-style: chr1-225586946-T-C.
Other names: NM_001373.1:c.13523T>C; short protein forms L4610S.
Identifiers: ClinVar variation 3342500 (VCV003342500.2).
Genomic context (GRCh38, chr1:225,399,244, plus strand): 5'-CATCAGTGTATTTATCAACGAAGAAACCTCCTAGTCACTGGATCACAATGCGGGTTGCAT[T>C]GCTTTGTGAGAAGAATGAAAAATAAATGTCCATATCAAACCATTTTAATTTTTGACTCTA-3'
Protein context (NP_001354408.1, residues 4600-4617): PSHWITMRVA[Leu4610Ser]LCEKNEK